The following is an entry in ClinVar:

ClinVar aggregate classification (germline): Uncertain significance. Review status: criteria provided, multiple submitters, no conflicts (2 of 4 stars). 3 submissions from 3 submitters: Uncertain significance (3). Last evaluated 2025-10-23.

Conditions:
Inborn genetic diseases. Identifiers: MedGen C0950123, MeSH D030342.

gnomAD v4.1: 16 of 1,037,284 alleles (0.0015%); highest among the groups gnomAD compares: Admixed American, 0.011%; no homozygotes.

Submissions (3):

Mayo Clinic Laboratories, Mayo Clinic
Classification: Uncertain significance. Last evaluated: 2025-10-23. Review status: criteria provided, single submitter. Criteria: ACMG Guidelines, 2015. Collection method: clinical testing. Allele origin: germline. Observed: 1 variant allele.
Comment: BP4_moderate

Labcorp Genetics (formerly Invitae), Labcorp
Classification: Uncertain significance. Last evaluated: 2022-07-30. Review status: criteria provided, single submitter. Criteria: Invitae Variant Classification Sherloc (09022015). Collection method: clinical testing. Allele origin: germline.
Comment: This sequence change replaces proline, which is neutral and non-polar, with serine, which is neutral and polar, at codon 57 of the ADAMTS17 protein (p.Pro57Ser). The frequency data for this variant in the population databases is considered unreliable, as metrics indicate insufficient coverage at this position in the gnomAD database. This variant has not been reported in the literature in individuals affected with ADAMTS17-related conditions. Algorithms developed to predict the effect of missense changes on protein structure and function are either unavailable or do not agree on the potential impact of this missense change (SIFT: "Not Available"; PolyPhen-2: "Benign"; Align-GVGD: "Not Available"). In summary, the available evidence is currently insufficient to determine the role of this variant in disease. Therefore, it has been classified as a Variant of Uncertain Significance.

Ambry Genetics
Classification: Uncertain significance for Inborn genetic diseases. Last evaluated: 2021-09-17. Review status: criteria provided, single submitter. Criteria: Ambry Variant Classification Scheme 2023. Collection method: clinical testing. Allele origin: germline.

NM_139057.4(ADAMTS17):c.169C>T (p.Pro57Ser)

Gene: ADAMTS17 (ADAM metallopeptidase with thrombospondin type 1 motif 17; minus strand). Cytogenetic location: 15q26.3.
Variant type: single nucleotide variant.
Coding change: c.169C>T on transcript NM_139057.4 (MANE Select); coding-DNA position 169, C replaced by T.
Protein change: p.Pro57Ser; replaces proline 57 with serine.
Molecular consequence: missense variant.
Genome position (GRCh38, 1-based): chr15:100,341,320, G>A on the plus strand (C>T on the coding strand, the complement: ADAMTS17 is on the minus strand). VCF-style: chr15-100341320-G-A. GRCh37 (hg19) VCF-style: chr15-100881525-G-A.
Other names: p.Pro57Ser; c.169C>T (NM_139057.2); short protein forms P57S.
Identifiers: ClinVar variation 2171643 (VCV002171643.3), dbSNP rs993878108, ClinGen allele CA275938196.